The following is an entry in ClinVar:

NM_213599.3(ANO5):c.1737dup (p.Gly580fs)

Gene: ANO5 (anoctamin 5; plus strand). Cytogenetic location: 11p14.3.
Variant type: Duplication.
Coding change: c.1737dup on transcript NM_213599.3 (MANE Select); coding-DNA position 1737, one base duplicated (A; older notation c.1737dupA).
Protein change: p.Gly580fs; shifts the reading frame from glycine 580.
Molecular consequence: frameshift variant.
Genome position (GRCh38, 1-based): chr11:22,262,235, A duplicated; the last of 3 consecutive A bases (chr11:22,262,233-22,262,235); duplicating any one gives the same sequence. VCF-style (leftmost placement, unchanged base first): chr11-22262232-T-TA. GRCh37 (hg19) VCF-style: chr11-22283778-T-TA.
Other names: c.1737dupA (NM_213599.2); c.1734dup, p.Gly579fs (NM_001142649.2); short protein forms G580fs, G579fs.
Identifiers: ClinVar variation 578516 (VCV000578516.7), dbSNP rs759064817, ClinGen allele CA5923332.
Genomic context (GRCh38, chr11:22,262,232, plus strand): 5'-GAAAATGTTCCTGTTTCAGTTTGTAAATTTTTACTCATCCTGCTTCTACGTAGCTTTCTT[T>TA]AAAGGGAAGTTCGTAGGCTATCCTGGAAAATACACATATTTATTTAATGAGTGGAGAAGT-3'

ClinVar aggregate classification (germline): Pathogenic (1 of 4 stars; one submission).

Conditions:
Autosomal recessive limb-girdle muscular dystrophy type 2L (LGMDR12). Also called: MUSCULAR DYSTROPHY, LIMB-GIRDLE, AUTOSOMAL RECESSIVE 12; Limb-girdle muscular dystrophy, type 2L; Limb-Girdle Muscular Dystrophy R12 Anoctamin-5-Related (LGMD-R12). Identifiers: Orphanet 206549, MedGen C1969785, MONDO:0012652, OMIM 611307.
Gnathodiaphyseal dysplasia (GDD). Also called: GNATHODIAPHYSEAL SCLEROSIS; OSTEOGENESIS IMPERFECTA WITH UNUSUAL SKELETAL LESIONS. Identifiers: Orphanet 53697, MedGen C1833736, MONDO:0008151, OMIM 166260.

Submission:

Labcorp Genetics (formerly Invitae), Labcorp
Classification: Pathogenic for Autosomal recessive limb-girdle muscular dystrophy type 2L; Gnathodiaphyseal dysplasia. Last evaluated: 2023-09-08. Review status: criteria provided, single submitter. Criteria: Invitae Variant Classification Sherloc (09022015). Collection method: clinical testing. Allele origin: germline.
Comment: Algorithms developed to predict the effect of sequence changes on RNA splicing suggest that this variant may disrupt the consensus splice site. For these reasons, this variant has been classified as Pathogenic. ClinVar contains an entry for this variant (Variation ID: 578516). This variant has not been reported in the literature in individuals affected with ANO5-related conditions. This variant is present in population databases (rs759064817, gnomAD 0.009%). This sequence change creates a premature translational stop signal (p.Gly580Argfs*15) in the ANO5 gene. It is expected to result in an absent or disrupted protein product. Loss-of-function variants in ANO5 are known to be pathogenic (PMID: 21186264, 23606453, 25891276, 30919934).

Literature cited by the submitters: PubMed 21186264; PubMed 23606453; PubMed 25891276; PubMed 30919934.